The following is an entry in ClinVar:

ClinVar aggregate classification (germline): Uncertain significance. Review status: criteria provided, multiple submitters, no conflicts (2 of 4 stars). 2 submissions from 2 submitters: Uncertain significance (2). Last evaluated 2025-11-01.

Allele frequency attached by ClinVar (database versions not stated): gnomAD exomes below 0.00001.
gnomAD v4.1: 4 of 1,613,902 alleles (0.00025%); highest among the groups gnomAD compares: Non-Finnish European, 0.00034%; no homozygotes.

Submissions (2):

CeGaT Center for Human Genetics Tuebingen
Classification: Uncertain significance. Last evaluated: 2025-11-01. Review status: criteria provided, single submitter. Criteria: CeGaT Center For Human Genetics Tuebingen Variant Classification Criteria Version 2. Collection method: clinical testing. Allele origin: germline. Affected: yes. Observed: 1 variant allele.
Comment: GSN: PM2:Supporting, BP4

Labcorp Genetics (formerly Invitae), Labcorp
Classification: Uncertain significance. Last evaluated: 2022-11-30. Review status: criteria provided, single submitter. Criteria: Invitae Variant Classification Sherloc (09022015). Collection method: clinical testing. Allele origin: germline.
Comment: In summary, the available evidence is currently insufficient to determine the role of this variant in disease. Therefore, it has been classified as a Variant of Uncertain Significance. Algorithms developed to predict the effect of missense changes on protein structure and function (SIFT, PolyPhen-2, Align-GVGD) all suggest that this variant is likely to be tolerated. This variant has not been reported in the literature in individuals affected with GSN-related conditions. This variant is present in population databases (no rsID available, gnomAD 0.0009%). This sequence change replaces methionine, which is neutral and non-polar, with valine, which is neutral and non-polar, at codon 777 of the GSN protein (p.Met777Val).

NM_198252.3(GSN):c.2176A>G (p.Met726Val)

Gene: GSN (gelsolin; plus strand). Cytogenetic location: 9q33.2.
Variant type: single nucleotide variant.
Coding change: c.2176A>G on transcript NM_198252.3 (MANE Select); coding-DNA position 2176, A replaced by G.
Protein change: p.Met726Val; replaces methionine 726 with valine.
Molecular consequence: missense variant.
Genome position (GRCh38, 1-based): chr9:121,332,583, A>G. VCF-style: chr9-121332583-A-G. GRCh37 (hg19) VCF-style: chr9-124094861-A-G.
Other names: c.2176A>G, p.Met726Val (NM_001353060.2, NM_001353061.2, NM_001353062.1 and 10 more transcripts); c.2209A>G, p.Met737Val (NM_001353063.2, NM_001353064.2, NM_001353065.2 and 13 more transcripts); c.2227A>G, p.Met743Val (NM_001258029.2); c.2200A>G, p.Met734Val (NM_001258030.2); c.2329A>G, p.Met777Val (NM_000177.5); c.2284A>G, p.Met762Val (NM_001127663.2); c.2248A>G, p.Met750Val (NM_001353076.2); c.1522A>G, p.Met508Val (NM_001353078.2); short protein forms M508V, M743V, M750V, M777V, M737V, M726V, M734V, M762V.
Identifiers: ClinVar variation 2987026 (VCV002987026.9), dbSNP rs1460889014, ClinGen allele CA374760656.